The following is an entry in ClinVar:

ClinVar aggregate classification (germline): Uncertain significance. Review status: criteria provided, multiple submitters, no conflicts (2 of 4 stars). 2 submissions from 2 submitters: Uncertain significance (2). Last evaluated 2025-06-20.

Conditions:
LAMA2-related muscular dystrophy (LAMA2-RD). Also called: Laminin alpha 2-related dystrophy. Identifiers: MedGen C5679788, MONDO:0100228.

Allele frequency attached by ClinVar (database versions not stated): gnomAD 0.00001; TOPMed 0.00001.
gnomAD v4.1: 5 of 1,613,752 alleles (0.00031%); highest among the groups gnomAD compares: Admixed American, 0.005%; no homozygotes.

Submissions (2):

GeneDx
Classification: Uncertain significance. Last evaluated: 2025-06-20. Review status: criteria provided, single submitter. Criteria: GeneDx Variant Classification Process June 2021. Collection method: clinical testing. Allele origin: germline. Affected: yes.
Comment: Not observed at significant frequency in large population cohorts (gnomAD); In silico analysis supports that this missense variant has a deleterious effect on protein structure/function; Has not been previously published as pathogenic or benign to our knowledge

Labcorp Genetics (formerly Invitae), Labcorp
Classification: Uncertain significance for LAMA2-related muscular dystrophy. Last evaluated: 2022-08-12. Review status: criteria provided, single submitter. Criteria: Invitae Variant Classification Sherloc (09022015). Collection method: clinical testing. Allele origin: germline.
Comment: This sequence change replaces proline, which is neutral and non-polar, with leucine, which is neutral and non-polar, at codon 855 of the LAMA2 protein (p.Pro855Leu). This variant is present in population databases (rs754714449, gnomAD 0.006%). This variant has not been reported in the literature in individuals affected with LAMA2-related conditions. Advanced modeling of protein sequence and biophysical properties (such as structural, functional, and spatial information, amino acid conservation, physicochemical variation, residue mobility, and thermodynamic stability) performed at Invitae indicates that this missense variant is not expected to disrupt LAMA2 protein function. In summary, the available evidence is currently insufficient to determine the role of this variant in disease. Therefore, it has been classified as a Variant of Uncertain Significance.

NM_000426.4(LAMA2):c.2564C>T (p.Pro855Leu)

Gene: LAMA2 (laminin subunit alpha 2; plus strand). Cytogenetic location: 6q22.33.
Variant type: single nucleotide variant.
Coding change: c.2564C>T on transcript NM_000426.4 (MANE Select); coding-DNA position 2564, C replaced by T.
Protein change: p.Pro855Leu; replaces proline 855 with leucine.
Molecular consequence: missense variant.
Genome position (GRCh38, 1-based): chr6:129,287,873, C>T. VCF-style: chr6-129287873-C-T. GRCh37 (hg19) VCF-style: chr6-129609018-C-T.
Other names: c.2564C>T, p.Pro855Leu (NM_001079823.2); short protein forms P855L.
Identifiers: ClinVar variation 2196888 (VCV002196888.2), dbSNP rs754714449, ClinGen allele CA3993007.